The following is an entry in ClinVar:

ClinVar aggregate classification (germline): Uncertain significance (1 of 4 stars; one submission).

gnomAD v4.1: 1 of 1,614,070 alleles (0.000062%); highest among the groups gnomAD compares: Non-Finnish European, 0.000085%; no homozygotes.

Submission:

Labcorp Genetics (formerly Invitae), Labcorp
Classification: Uncertain significance. Last evaluated: 2021-04-17. Review status: criteria provided, single submitter. Criteria: Invitae Variant Classification Sherloc (09022015). Collection method: clinical testing. Allele origin: germline.
Comment: In summary, the available evidence is currently insufficient to determine the role of this variant in disease. Therefore, it has been classified as a Variant of Uncertain Significance. Algorithms developed to predict the effect of missense changes on protein structure and function (SIFT, PolyPhen-2, Align-GVGD) all suggest that this variant is likely to be tolerated, but these predictions have not been confirmed by published functional studies and their clinical significance is uncertain. This variant has not been reported in the literature in individuals with PPP3CA-related conditions. This variant is not present in population databases (ExAC no frequency). This sequence change replaces asparagine with threonine at codon 37 of the PPP3CA protein (p.Asn37Thr). The asparagine residue is weakly conserved and there is a small physicochemical difference between asparagine and threonine.

NM_000944.5(PPP3CA):c.110A>C (p.Asn37Thr)

Gene: PPP3CA (protein phosphatase 3 catalytic subunit alpha; minus strand). Cytogenetic location: 4q24.
Variant type: single nucleotide variant.
Coding change: c.110A>C on transcript NM_000944.5 (MANE Select); coding-DNA position 110, A replaced by C.
Protein change: p.Asn37Thr; replaces asparagine 37 with threonine.
Molecular consequence: missense variant.
Genome position (GRCh38, 1-based): chr4:101,196,065, T>G on the plus strand (A>C on the coding strand, the complement: PPP3CA is on the minus strand). VCF-style: chr4-101196065-T-G. GRCh37 (hg19) VCF-style: chr4-102117222-T-G.
Other names: c.110A>C, p.Asn37Thr (NM_001130691.2, NM_001130692.2); short protein forms N37T.
Identifiers: ClinVar variation 1388562 (VCV001388562.8), dbSNP rs1724780539, ClinGen allele CA357951040.